The following is an entry in ClinVar:

ClinVar aggregate classification (germline): Likely benign. Review status: criteria provided, multiple submitters, no conflicts (2 of 4 stars). 3 submissions from 3 submitters: Likely benign (2). 1 of the submissions does not count toward it. Last evaluated 2025-08-24.

Conditions:
KLHL41-related disorder. Also called: KLHL41-related condition.
Nemaline myopathy 9 (NEM9). Identifiers: MedGen C3810384, MONDO:0014326, OMIM 615731.

Allele frequency attached by ClinVar (database versions not stated): TOPMed 0.00001; gnomAD exomes 0.00007 and 0.00017; gnomAD 0.00008; ExAC 0.00016; 1000 Genomes Project 30x 0.00047; 1000 Genomes Project 0.00060.
gnomAD v4.1: 115 of 1,614,032 alleles (0.0071%); highest among the groups gnomAD compares: South Asian, 0.12%; no homozygotes.

Submissions (3):

Labcorp Genetics (formerly Invitae), Labcorp
Classification: Likely benign for Nemaline myopathy 9. Last evaluated: 2025-08-24. Review status: criteria provided, single submitter. Criteria: Invitae Variant Classification Sherloc (09022015). Collection method: clinical testing. Allele origin: germline.

Blueprint Genetics
Classification: Likely benign. Last evaluated: 2021-05-18. Review status: criteria provided, single submitter. Criteria: ACMG Guidelines, 2015. Collection method: clinical testing. Allele origin: germline.

PreventionGenetics, part of Exact Sciences
Classification: Likely benign for KLHL41-related condition. Last evaluated: 2019-05-10. Review status: no assertion criteria provided. Collection method: clinical testing. Allele origin: germline. Not counted in ClinVar's aggregate classification.
Comment: This variant is classified as likely benign based on ACMG/AMP sequence variant interpretation guidelines (Richards et al. 2015 PMID: 25741868, with internal and published modifications).

NM_006063.3(KLHL41):c.777C>T (p.Phe259=)

Gene: KLHL41 (kelch like family member 41; plus strand). Cytogenetic location: 2q31.1.
Variant type: single nucleotide variant.
Coding change: c.777C>T on transcript NM_006063.3 (MANE Select); coding-DNA position 777, C replaced by T.
Protein change: p.Phe259=; no amino-acid change (phenylalanine 259 retained).
Molecular consequence: synonymous variant.
Genome position (GRCh38, 1-based): chr2:169,510,555, C>T. VCF-style: chr2-169510555-C-T. GRCh37 (hg19) VCF-style: chr2-170367065-C-T.
Other names: c.777C>T (NM_006063.2).
Identifiers: ClinVar variation 1097979 (VCV001097979.10), dbSNP rs562502714, ClinGen allele CA1956552.
Genomic context (GRCh38, chr2:169,510,555, plus strand): 5'-TGATATAATTAAAAGCAACCCAGACCTCCAGAAAAAAATCAAAGTTCTAAAAGATGCTTT[C>T]GCAGGCAAACTCCCAGAACCTAGCAAAAATGCCGCGAAGACTGGGGCTGGTGAGGTGAAT-3'
Protein context (NP_006054.2, residues 249-269): QKKIKVLKDA[Phe259=]AGKLPEPSKN